The following is an entry in ClinVar:

NM_016247.4(IMPG2):c.32C>A (p.Ser11Tyr)

Gene: IMPG2 (interphotoreceptor matrix proteoglycan 2; minus strand). Cytogenetic location: 3q12.3.
Variant type: single nucleotide variant.
Coding change: c.32C>A on transcript NM_016247.4 (MANE Select); coding-DNA position 32, C replaced by A.
Protein change: p.Ser11Tyr; replaces serine 11 with tyrosine.
Molecular consequence: missense variant.
Genome position (GRCh38, 1-based): chr3:101,320,341, G>T on the plus strand (C>A on the coding strand, the complement: IMPG2 is on the minus strand). VCF-style: chr3-101320341-G-T. GRCh37 (hg19) VCF-style: chr3-101039185-G-T.
Other names: short protein forms S11Y.
Identifiers: ClinVar variation 836828 (VCV000836828.7), dbSNP rs137927107, ClinGen allele CA2519579.

ClinVar aggregate classification (germline): Uncertain significance. Review status: criteria provided, multiple submitters, no conflicts (2 of 4 stars). 3 submissions from 3 submitters: Uncertain significance (3). Last evaluated 2024-11-26.

Allele frequency attached by ClinVar (database versions not stated): gnomAD exomes 0.00004 and 0.00008; ExAC 0.00011; 1000 Genomes Project 30x 0.00031; ESP Exome Variant Server 0.00031; gnomAD 0.00031 and 0.00033; 1000 Genomes Project 0.00040; TOPMed 0.00040.

Submissions (3):

Blueprint Genetics
Classification: Uncertain significance. Last evaluated: 2024-11-26. Review status: criteria provided, single submitter. Criteria: ACMG Guidelines, 2015. Collection method: clinical testing. Allele origin: germline.

Labcorp Genetics (formerly Invitae), Labcorp
Classification: Uncertain significance. Last evaluated: 2022-11-01. Review status: criteria provided, single submitter. Criteria: Invitae Variant Classification Sherloc (09022015). Collection method: clinical testing. Allele origin: germline.
Comment: This sequence change replaces serine, which is neutral and polar, with tyrosine, which is neutral and polar, at codon 11 of the IMPG2 protein (p.Ser11Tyr). This variant is present in population databases (rs137927107, gnomAD 0.08%). This missense change has been observed in individual(s) with retinitis pigmentosa (Invitae). ClinVar contains an entry for this variant (Variation ID: 836828). Algorithms developed to predict the effect of missense changes on protein structure and function output the following: SIFT: "Deleterious"; PolyPhen-2: "Possibly Damaging"; Align-GVGD: "Class C15". The tyrosine amino acid residue is found in multiple mammalian species, which suggests that this missense change does not adversely affect protein function. In summary, the available evidence is currently insufficient to determine the role of this variant in disease. Therefore, it has been classified as a Variant of Uncertain Significance.

Breakthrough Genomics
Classification: Uncertain significance. Review status: criteria provided, single submitter. Criteria: ACMG Guidelines, 2015. Collection method: not provided. Allele origin: germline. Inheritance: Autosomal recessive inheritance. Affected: yes.